The following is an entry in ClinVar:

ClinVar aggregate classification (germline): Uncertain significance. Review status: criteria provided, multiple submitters, no conflicts (2 of 4 stars). 2 submissions from 2 submitters: Uncertain significance (2). Last evaluated 2025-07-17.

Conditions:
Familial sleep-related hypermotor epilepsy. Also called: Autosomal Dominant Sleep-Related Hypermotor (Hyperkinetic) Epilepsy. Identifiers: Orphanet 98784, MedGen C3696898, MONDO:0000030.

Submissions (2):

GeneDx
Classification: Uncertain significance. Last evaluated: 2025-07-17. Review status: criteria provided, single submitter. Criteria: GeneDx Variant Classification Process June 2021. Collection method: clinical testing. Allele origin: germline. Affected: yes.
Comment: Not observed at significant frequency in large population cohorts (gnomAD); In silico analysis supports that this missense variant has a deleterious effect on protein structure/function; Has not been previously published as pathogenic or benign to our knowledge

Labcorp Genetics (formerly Invitae), Labcorp
Classification: Uncertain significance. Last evaluated: 2022-09-21. Review status: criteria provided, single submitter. Criteria: Invitae Variant Classification Sherloc (09022015). Collection method: clinical testing. Allele origin: germline.
Comment: In summary, the available evidence is currently insufficient to determine the role of this variant in disease. Therefore, it has been classified as a Variant of Uncertain Significance. Advanced modeling of protein sequence and biophysical properties (such as structural, functional, and spatial information, amino acid conservation, physicochemical variation, residue mobility, and thermodynamic stability) performed at Invitae indicates that this missense variant is expected to disrupt CHRNA4 protein function. This variant has not been reported in the literature in individuals affected with CHRNA4-related conditions. This variant is not present in population databases (gnomAD no frequency). This sequence change replaces proline, which is neutral and non-polar, with arginine, which is basic and polar, at codon 169 of the CHRNA4 protein (p.Pro169Arg).

NM_000744.7(CHRNA4):c.506C>G (p.Pro169Arg)

Gene: CHRNA4 (cholinergic receptor nicotinic alpha 4 subunit; minus strand). Cytogenetic location: 20q13.33.
Variant type: single nucleotide variant.
Coding change: c.506C>G on transcript NM_000744.7 (MANE Select); coding-DNA position 506, C replaced by G.
Protein change: p.Pro169Arg; replaces proline 169 with arginine.
Molecular consequence: missense variant. On other transcripts: 5 prime UTR variant (1), non-coding transcript variant (1).
Genome position (GRCh38, 1-based): chr20:63,350,905, G>C on the plus strand (C>G on the coding strand, the complement: CHRNA4 is on the minus strand). VCF-style: chr20-63350905-G-C. GRCh37 (hg19) VCF-style: chr20-61982257-G-C.
Other names: p.P169R:CCC>CGC; c.-23C>G (NM_001256573.2); short protein forms P169R.
Identifiers: ClinVar variation 205012 (VCV000205012.8), dbSNP rs199519224, ClinGen allele CA313541.